The following is an entry in ClinVar:

NM_004380.3(CREBBP):c.4992C>G (p.Arg1664=)

Gene: CREBBP (CREB binding lysine acetyltransferase; minus strand). Cytogenetic location: 16p13.3.
Variant type: single nucleotide variant.
Coding change: c.4992C>G on transcript NM_004380.3 (MANE Select); coding-DNA position 4992, C replaced by G.
Protein change: p.Arg1664=; no amino-acid change (arginine 1664 retained).
Molecular consequence: synonymous variant.
Genome position (GRCh38, 1-based): chr16:3,731,372, G>C on the plus strand (C>G on the coding strand, the complement: CREBBP is on the minus strand). VCF-style: chr16-3731372-G-C. GRCh37 (hg19) VCF-style: chr16-3781373-G-C.
Other names: c.4878C>G, p.Arg1626= (NM_001079846.1).
Identifiers: ClinVar variation 2888712 (VCV002888712.7), dbSNP rs756979739, ClinGen allele CA276973253.

ClinVar aggregate classification (germline): Likely benign. Review status: criteria provided, multiple submitters, no conflicts (2 of 4 stars). 2 submissions from 2 submitters: Likely benign (2). Last evaluated 2026-02-01.

Conditions:
Rubinstein-Taybi syndrome (RSTS). Identifiers: Orphanet 783, MedGen C0035934, MONDO:0019188.

gnomAD v4.1: 17 of 1,612,532 alleles (0.0011%); highest among the groups gnomAD compares: Non-Finnish European, 0.0011%; no homozygotes.

Submissions (2):

CeGaT Center for Human Genetics Tuebingen
Classification: Likely benign. Last evaluated: 2026-02-01. Review status: criteria provided, single submitter. Criteria: CeGaT Center For Human Genetics Tuebingen Variant Classification Criteria Version 2. Collection method: clinical testing. Allele origin: germline. Affected: yes. Observed: 1 variant allele.
Comment: CREBBP: BP4, BP7

Labcorp Genetics (formerly Invitae), Labcorp
Classification: Likely benign for Rubinstein-Taybi syndrome. Last evaluated: 2023-01-30. Review status: criteria provided, single submitter. Criteria: Invitae Variant Classification Sherloc (09022015). Collection method: clinical testing. Allele origin: germline.